The following is an entry in ClinVar:

NM_005477.3(HCN4):c.3195C>A (p.Val1065=)

Gene: HCN4 (hyperpolarization activated cyclic nucleotide gated potassium channel 4; minus strand). Cytogenetic location: 15q24.1.
Variant type: single nucleotide variant.
Coding change: c.3195C>A on transcript NM_005477.3 (MANE Select); coding-DNA position 3195, C replaced by A.
Protein change: p.Val1065=; no amino-acid change (valine 1065 retained).
Molecular consequence: synonymous variant.
Genome position (GRCh38, 1-based): chr15:73,322,898, G>T on the plus strand (C>A on the coding strand, the complement: HCN4 is on the minus strand). VCF-style: chr15-73322898-G-T. GRCh37 (hg19) VCF-style: chr15-73615239-G-T.
Identifiers: ClinVar variation 698053 (VCV000698053.16), dbSNP rs4493011, ClinGen allele CA7648873.

ClinVar aggregate classification (germline): Conflicting classifications of pathogenicity. Review status: criteria provided, conflicting classifications (1 of 4 stars). 3 submissions from 3 submitters: Uncertain significance (1); Likely benign (2). Last evaluated 2026-02-04.

Conditions:
Cardiovascular phenotype. Identifiers: MedGen CN230736.
Brugada syndrome 8 (BRGDA8). Identifiers: Orphanet 130, MedGen C2751083, MONDO:0013148, OMIM 613123.

Allele frequency attached by ClinVar (database versions not stated): ExAC below 0.00001; gnomAD exomes 0.00010; 1000 Genomes Project 30x 0.00016; 1000 Genomes Project 0.00020.
gnomAD v4.1: 93 of 1,426,520 alleles (0.0065%); highest among the groups gnomAD compares: South Asian, 0.13%; 3 homozygotes.

Submissions (3):

Labcorp Genetics (formerly Invitae), Labcorp
Classification: Likely benign for Brugada syndrome 8. Last evaluated: 2026-02-04. Review status: criteria provided, single submitter. Criteria: Invitae Variant Classification Sherloc (09022015). Collection method: clinical testing. Allele origin: germline.

Ambry Genetics
Classification: Likely benign for Cardiovascular phenotype. Last evaluated: 2021-08-03. Review status: criteria provided, single submitter. Criteria: Ambry Variant Classification Scheme 2023. Collection method: clinical testing. Allele origin: germline.

GeneDx
Classification: Uncertain significance. Last evaluated: 2019-12-09. Review status: criteria provided, single submitter. Criteria: GeneDx Variant Classification Process June 2021. Collection method: clinical testing. Allele origin: germline. Affected: yes.
Comment: In silico analysis, which includes splice predictors and evolutionary conservation, supports a deleterious effect; This variant is associated with the following publications: (PMID: 30452770)

Literature cited by the submitters: PubMed 30452770 (cited by Ambry Genetics).